The following is an entry in ClinVar:

NM_007294.4(BRCA1):c.3813_3819del (p.Ser1271fs)

Genes: BRCA1 (BRCA1 DNA repair associated; minus strand), LOC126862571 (BRD4-independent group 4 enhancer GRCh37_chr17:41243136-41244335; plus strand). Cytogenetic location: 17q21.31.
Variant type: Deletion.
Coding change: c.3813_3819del on transcript NM_007294.4 (MANE Select); coding-DNA positions 3813 to 3819, 7 bases deleted (TAACCAG; older notation c.3813_3819delTAACCAG).
Protein change: p.Ser1271fs; shifts the reading frame from serine 1271.
Molecular consequence: frameshift variant. On other transcripts: intron variant (135).
Genome position (GRCh38, 1-based): chr17:43,091,712-43,091,718, CTGGTTA deleted on the plus strand (TAACCAG on the coding strand, the reverse complement: BRCA1 is on the minus strand); deleting any 7 consecutive bases within chr17:43,091,712-43,091,721 gives the same sequence; the c. name uses the placement nearest the transcript's 3' end. VCF-style (leftmost placement, unchanged base first): chr17-43091711-CCTGGTTA-C. GRCh37 (hg19) VCF-style: chr17-41243728-CCTGGTTA-C.
Other names: c.3603_3609del, p.Ser1201fs (NM_001407904.1, NM_001407906.1, NM_001407907.1 and 13 more transcripts); c.3600_3606del, p.Ser1200fs (NM_001407915.1, NM_001407916.1, NM_001407917.1 and 9 more transcripts); c.3690_3696del, p.Ser1230fs (NM_001407919.1, NM_001407648.1, NM_001407664.1 and 19 more transcripts); c.3549_3555del, p.Ser1183fs (NM_001407920.1, NM_001407921.1, NM_001407922.1 and 9 more transcripts); c.707-686_707-680del (NM_001408416.1, NM_001408413.1); c.578-686_578-680del (NM_001408484.1, NM_001408478.1, NM_001408514.1 and 9 more transcripts); c.662-686_662-680del (NM_001408450.1, NM_001408434.1, NM_001408447.1 and 6 more transcripts); c.785-686_785-680del (NM_001408398.1, NM_001407992.1, NM_001408400.1 and 13 more transcripts); and 41 more; short protein forms S1103fs, S1143fs, S1144fs, S1159fs, S1160fs, S1182fs, S1183fs, S1200fs.
Identifiers: ClinVar variation 3904691 (VCV003904691.1).

ClinVar aggregate classification (germline): Pathogenic (1 of 4 stars; one submission).

Conditions:
Breast-ovarian cancer, familial, susceptibility to, 1 (BROVCA1). Also called: BRCA1 Hereditary Breast and Ovarian Cancer; OVARIAN CANCER, SUSCEPTIBILITY TO. Identifiers: Orphanet 145, MedGen C2676676, MONDO:0011450, OMIM 604370. Disease mechanism: loss of function.

Submission:

Myriad Genetics, Inc.
Classification: Pathogenic for Breast-ovarian cancer, familial, susceptibility to, 1. Last evaluated: 2024-12-27. Review status: criteria provided, single submitter. Criteria: Myriad Autosomal Dominant, Autosomal Recessive and X-Linked Classification Criteria (2023). Collection method: clinical testing. Allele origin: unknown.
Comment: This variant is considered pathogenic. This variant creates a frameshift predicted to result in premature protein truncation.